The following is an entry in ClinVar:

NM_001376.5(DYNC1H1):c.7559G>A (p.Arg2520Lys)

Gene: DYNC1H1 (dynein cytoplasmic 1 heavy chain 1; plus strand). Cytogenetic location: 14q32.31.
Variant type: single nucleotide variant.
Coding change: c.7559G>A on transcript NM_001376.5 (MANE Select); coding-DNA position 7559, G replaced by A.
Protein change: p.Arg2520Lys; replaces arginine 2520 with lysine.
Molecular consequence: missense variant.
Genome position (GRCh38, 1-based): chr14:102,016,434, G>A. VCF-style: chr14-102016434-G-A. GRCh37 (hg19) VCF-style: chr14-102482771-G-A.
Other names: short protein forms R2520K.
Identifiers: ClinVar variation 1406653 (VCV001406653.6), dbSNP rs985261953, ClinGen allele CA266952619.

ClinVar aggregate classification (germline): Uncertain significance (1 of 4 stars; one submission).

Conditions:
Charcot-Marie-Tooth disease axonal type 2O. Also called: CHARCOT-MARIE-TOOTH NEUROPATHY, AXONAL, TYPE 2O; CHARCOT-MARIE-TOOTH DISEASE, AXONAL, AUTOSOMAL DOMINANT, TYPE 2O; Charcot-Marie-Tooth disease, axonal, type 20; Charcot-Marie-Tooth Neuropathy Type 2O. Identifiers: Orphanet 284232, MedGen C3280220, MONDO:0013644, OMIM 614228.

Allele frequency attached by ClinVar (database versions not stated): gnomAD exomes below 0.00001.
gnomAD v4.1: 3 of 1,614,084 alleles (0.00019%); highest among the groups gnomAD compares: Non-Finnish European, 0.00025%; no homozygotes.

Submission:

Labcorp Genetics (formerly Invitae), Labcorp
Classification: Uncertain significance for Charcot-Marie-Tooth disease axonal type 2O. Last evaluated: 2025-08-03. Review status: criteria provided, single submitter. Criteria: Invitae Variant Classification Sherloc (09022015). Collection method: clinical testing. Allele origin: germline.
Comment: This sequence change replaces arginine, which is basic and polar, with lysine, which is basic and polar, at codon 2520 of the DYNC1H1 protein (p.Arg2520Lys). This variant is not present in population databases (gnomAD no frequency). This variant has not been reported in the literature in individuals affected with DYNC1H1-related conditions. ClinVar contains an entry for this variant (Variation ID: 1406653). Invitae Evidence Modeling of protein sequence and biophysical properties (such as structural, functional, and spatial information, amino acid conservation, physicochemical variation, residue mobility, and thermodynamic stability) indicates that this missense variant is not expected to disrupt DYNC1H1 protein function with a negative predictive value of 95%. In summary, the available evidence is currently insufficient to determine the role of this variant in disease. Therefore, it has been classified as a Variant of Uncertain Significance.